The following is an entry in ClinVar:

NM_018263.6(ASXL2):c.2265_2266del (p.Glu755fs)

Gene: ASXL2 (ASXL transcriptional regulator 2; minus strand). Cytogenetic location: 2p23.3.
Variant type: Microsatellite.
Coding change: c.2265_2266del on transcript NM_018263.6 (MANE Select); coding-DNA positions 2265 to 2266, 2 bases deleted (GA; older notation c.2265_2266delGA).
Protein change: p.Glu755fs; shifts the reading frame from glutamic acid 755.
Molecular consequence: frameshift variant.
Genome position (GRCh38, 1-based): chr2:25,744,071-25,744,072, TC deleted on the plus strand (GA on the coding strand, the reverse complement: ASXL2 is on the minus strand); deleting any 2 consecutive bases within chr2:25,744,071-25,744,074 gives the same sequence; the c. name uses the placement nearest the transcript's 3' end. VCF-style (leftmost placement, unchanged base first): chr2-25744070-GTC-G. GRCh37 (hg19) VCF-style: chr2-25966939-GTC-G.
Other names: c.2091_2092del, p.Glu697fs (NM_001369346.1); c.1485_1486del, p.Glu495fs (NM_001369347.1); short protein forms E495fs, E697fs, E755fs.
Identifiers: ClinVar variation 1000038 (VCV001000038.7), dbSNP rs2087898183, ClinGen allele CA1239491127.
Genomic context (GRCh38, chr2:25,744,070, plus strand): 5'-GTTTGCTGTAGTTGTGCTCCAGAGACACTATGAGGCTGTGCCTGGCTTGGGGTGGTCTTG[GTC>G]TCAGACTGGGGCTGAGTCTCTGGACCACAGGGTAAAAGCTCTCTCGTACCTCCCCTGCTT-3'

ClinVar aggregate classification (germline): Uncertain significance (1 of 4 stars; one submission).

Submission:

Labcorp Genetics (formerly Invitae), Labcorp
Classification: Uncertain significance. Last evaluated: 2018-05-02. Review status: criteria provided, single submitter. Criteria: Invitae Variant Classification Sherloc (09022015). Collection method: clinical testing. Allele origin: germline.
Comment: In summary, the available evidence is currently insufficient to determine the role of this variant in disease. Therefore, it has been classified as a Variant of Uncertain Significance. Experimental studies and prediction algorithms are not available for this variant, and the functional significance of the disrupted amino acids are currently unknown. This variant has not been reported in the literature in individuals with ASXL2-related disease. This variant is not present in population databases (ExAC no frequency). This sequence change results in a premature translational stop signal in the ASXL2 gene (p.Glu755Aspfs*12). While this is not anticipated to result in nonsense mediated decay, it is expected to disrupt the last 682 amino acids of the ASXL2 protein.